The following is an entry in ClinVar:

ClinVar aggregate classification (germline): Pathogenic/Likely pathogenic. Review status: criteria provided, multiple submitters, no conflicts (2 of 4 stars). 2 submissions from 2 submitters: Pathogenic (1); Likely pathogenic (1). Last evaluated 2023-08-25.

Conditions:
Werner syndrome (WRN). Identifiers: Orphanet 902, MedGen C0043119, MONDO:0010196, OMIM 277700.

Allele frequency attached by ClinVar (database versions not stated): gnomAD exomes below 0.00001.

Submissions (2):

Labcorp Genetics (formerly Invitae), Labcorp
Classification: Likely pathogenic for Werner syndrome. Last evaluated: 2023-08-25. Review status: criteria provided, single submitter. Criteria: Invitae Variant Classification Sherloc (09022015). Collection method: clinical testing. Allele origin: germline.
Comment: This sequence change affects a donor splice site in intron 21 of the WRN gene. It is expected to disrupt RNA splicing. Variants that disrupt the donor or acceptor splice site typically lead to a loss of protein function (PMID: 16199547), and loss-of-function variants in WRN are known to be pathogenic (PMID: 16673358). This variant is present in population databases (no rsID available, gnomAD 0.0009%). Disruption of this splice site has been observed in individual(s) with Werner syndrome (PMID: 27667302, 28861129). ClinVar contains an entry for this variant (Variation ID: 1514230). Algorithms developed to predict the effect of sequence changes on RNA splicing suggest that this variant may disrupt the consensus splice site. In summary, the currently available evidence indicates that the variant is pathogenic, but additional data are needed to prove that conclusively. Therefore, this variant has been classified as Likely Pathogenic.

Baylor Genetics
Classification: Pathogenic for Werner syndrome. Last evaluated: 2023-07-23. Review status: criteria provided, single submitter. Criteria: ACMG Guidelines, 2015. Collection method: clinical testing. Allele origin: unknown.

Literature cited by the submitters: PubMed 16199547 (cited by Labcorp Genetics (formerly Invitae), Labcorp); PubMed 16673358 (cited by Labcorp Genetics (formerly Invitae), Labcorp); PubMed 27667302 (cited by Labcorp Genetics (formerly Invitae), Labcorp); PubMed 28861129 (cited by Labcorp Genetics (formerly Invitae), Labcorp).

NM_000553.6(WRN):c.2630+1G>A

Gene: WRN (WRN RecQ like helicase; plus strand). Cytogenetic location: 8p12.
Variant type: single nucleotide variant.
Coding change: c.2630+1G>A on transcript NM_000553.6 (MANE Select); the canonical splice donor site of the intron after coding-DNA position 2630, G replaced by A.
Molecular consequence: splice donor variant.
Genome position (GRCh38, 1-based): chr8:31,120,425, G>A. VCF-style: chr8-31120425-G-A. GRCh37 (hg19) VCF-style: chr8-30977941-G-A.
Identifiers: ClinVar variation 1514230 (VCV001514230.7), dbSNP rs1279240593, ClinGen allele CA370915894.